The following is an entry in ClinVar:

NM_002076.4(GNS):c.21C>G (p.Ala7=)

Gene: GNS (glucosamine (N-acetyl)-6-sulfatase; minus strand). Cytogenetic location: 12q14.3.
Variant type: single nucleotide variant.
Coding change: c.21C>G on transcript NM_002076.4 (MANE Select); coding-DNA position 21, C replaced by G.
Protein change: p.Ala7=; no amino-acid change (alanine 7 retained).
Molecular consequence: synonymous variant.
Genome position (GRCh38, 1-based): chr12:64,759,256, G>C on the plus strand (C>G on the coding strand, the complement: GNS is on the minus strand). VCF-style: chr12-64759256-G-C. GRCh37 (hg19) VCF-style: chr12-65153036-G-C.
Identifiers: ClinVar variation 283363 (VCV000283363.24), dbSNP rs61743823, ClinGen allele CA6670055.

ClinVar aggregate classification (germline): Benign. Review status: criteria provided, multiple submitters, no conflicts (2 of 4 stars). 7 submissions from 7 submitters: Benign (4). 3 of the submissions do not count toward it. Last evaluated 2026-02-04.

Conditions:
GNS-related disorder. Also called: GNS-related condition.
Sanfilippo syndrome. Also called: Sanfilippo disease; Mucopolysaccharidosis type 3; Mucopolysaccharidosis Type III. Identifiers: Orphanet 581, MedGen C0026706, MONDO:0018937.
Mucopolysaccharidosis, MPS-III-D (MPS3D). Also called: N-ACETYLGLUCOSAMINE-6-SULFATASE DEFICIENCY; MUCOPOLYSACCHARIDOSIS, TYPE IIID; SANFILIPPO SYNDROME D; MPS IIID (Sanfilippo Syndrome Type D); MPS III D; Mucopoly-saccharidosis type 3D. Identifiers: Orphanet 581, Orphanet 79272, MedGen C0086650, MONDO:0009658, OMIM 252940.

Allele frequency attached by ClinVar (database versions not stated): 1000 Genomes Project 0.00679; gnomAD 0.00863 and 0.00937; ExAC 0.00338; ESP Exome Variant Server 0.00519; 1000 Genomes Project 30x 0.00765; TOPMed 0.00957; gnomAD exomes 0.00164.
gnomAD v4.1: 2,422 of 1,536,860 alleles (0.16%); highest among the groups gnomAD compares: African/African-American, 3%; 38 homozygotes.

Submissions (7):

Labcorp Genetics (formerly Invitae), Labcorp
Classification: Benign for Mucopolysaccharidosis, MPS-III-D. Last evaluated: 2026-02-04. Review status: criteria provided, single submitter. Criteria: Invitae Variant Classification Sherloc (09022015). Collection method: clinical testing. Allele origin: germline.

Illumina Laboratory Services, Illumina
Classification: Benign for Mucopolysaccharidosis, MPS-III-D. Last evaluated: 2018-01-13. Review status: criteria provided, single submitter. Criteria: ICSL Variant Classification Criteria 13 December 2019. Collection method: clinical testing. Allele origin: germline.
Comment: This variant was observed in the ICSL laboratory as part of a predisposition screen in an ostensibly healthy population. It had not been previously curated by ICSL or reported in the Human Gene Mutation Database (HGMD: prior to June 1st, 2018), and was therefore a candidate for classification through an automated scoring system. Utilizing variant allele frequency, disease prevalence and penetrance estimates, and inheritance mode, an automated score was calculated to assess if this variant is too frequent to cause the disease. Based on the score and internal cut-off values, a variant classified as benign is not then subjected to further curation. The score for this variant resulted in a classification of benign for this disease.

Eurofins Ntd Llc (ga)
Classification: Benign. Last evaluated: 2015-10-01. Review status: criteria provided, single submitter. Criteria: EGL Classification Definitions 2015. Collection method: clinical testing. Allele origin: germline. Observed: 1 variant allele, 1 heterozygote.

Breakthrough Genomics
Classification: Benign. Review status: criteria provided, single submitter. Criteria: ACMG Guidelines, 2015. Collection method: not provided. Allele origin: germline. Inheritance: Autosomal recessive inheritance. Affected: yes.

PreventionGenetics, part of Exact Sciences
Classification: Benign for GNS-related condition. Last evaluated: 2024-03-06. Review status: no assertion criteria provided. Collection method: clinical testing. Allele origin: germline. Not counted in ClinVar's aggregate classification.
Comment: This variant is classified as benign based on ACMG/AMP sequence variant interpretation guidelines (Richards et al. 2015 PMID: 25741868, with internal and published modifications).

Natera, Inc.
Classification: Benign for Sanfilippo disease. Last evaluated: 2020-09-16. Review status: no assertion criteria provided. Collection method: clinical testing. Allele origin: germline. Not counted in ClinVar's aggregate classification.

Mayo Clinic Laboratories, Mayo Clinic
Classification: Likely benign. Last evaluated: 2017-05-16. Review status: no assertion criteria provided. Collection method: clinical testing. Allele origin: unknown. Not counted in ClinVar's aggregate classification.